The following is an entry in ClinVar:

ClinVar aggregate classification (germline): Uncertain significance (1 of 4 stars; one submission).

Allele frequency attached by ClinVar (database versions not stated): gnomAD exomes below 0.00001.
gnomAD v4.1: 2 of 1,614,042 alleles (0.00012%); highest among the groups gnomAD compares: Non-Finnish European, 0.000085%; no homozygotes.

Submission:

GeneDx
Classification: Uncertain significance. Last evaluated: 2023-03-02. Review status: criteria provided, single submitter. Criteria: GeneDx Variant Classification Process June 2021. Collection method: clinical testing. Allele origin: germline. Affected: yes.
Comment: Not observed at significant frequency in large population cohorts (gnomAD); In silico analysis supports that this missense variant has a deleterious effect on protein structure/function; Has not been previously published as pathogenic or benign to our knowledge

NM_001369268.1(ACAN):c.274G>A (p.Gly92Arg)

Gene: ACAN (aggrecan; plus strand). Cytogenetic location: 15q26.1.
Variant type: single nucleotide variant.
Coding change: c.274G>A on transcript NM_001369268.1 (MANE Select); coding-DNA position 274, G replaced by A.
Protein change: p.Gly92Arg; replaces glycine 92 with arginine.
Molecular consequence: missense variant.
Genome position (GRCh38, 1-based): chr15:88,838,866, G>A. VCF-style: chr15-88838866-G-A. GRCh37 (hg19) VCF-style: chr15-89382097-G-A.
Other names: c.274G>A, p.Gly92Arg (NM_001135.4, NM_001411096.1, NM_001411097.1 and 1 more transcripts); short protein forms G92R.
Identifiers: ClinVar variation 2578193 (VCV002578193.1), dbSNP rs2505222270, ClinGen allele CA393715083.